The following is an entry in ClinVar:

NM_005811.5(GDF11):c.379G>A (p.Glu127Lys)

Gene: GDF11 (growth differentiation factor 11; plus strand). Cytogenetic location: 12q13.2.
Variant type: single nucleotide variant.
Coding change: c.379G>A on transcript NM_005811.5 (MANE Select); coding-DNA position 379, G replaced by A.
Protein change: p.Glu127Lys; replaces glutamic acid 127 with lysine.
Molecular consequence: missense variant.
Genome position (GRCh38, 1-based): chr12:55,743,695, G>A. VCF-style: chr12-55743695-G-A. GRCh37 (hg19) VCF-style: chr12-56137479-G-A.
Other names: c.379G>A (NM_005811.3); short protein forms E127K.
Identifiers: ClinVar variation 2429215 (VCV002429215.4), dbSNP rs201671298, ClinGen allele CA237558677.
Genomic context (GRCh38, chr12:55,743,695, plus strand): 5'-GCGCCGCCGCTGCAGCAGATCCTGGACCTACACGACTTCCAGGGCGACGCGCTGCAGCCC[G>A]AGGACTTCCTGGAGGAGGACGAGTACCACGCCACCACCGAGACCGTCATTAGCATGGCCC-3'
Protein context (NP_005802.1, residues 117-137): HDFQGDALQP[Glu127Lys]DFLEEDEYHA

ClinVar aggregate classification (germline): Uncertain significance. Review status: criteria provided, multiple submitters, no conflicts (2 of 4 stars). 2 submissions from 2 submitters: Uncertain significance (2). Last evaluated 2025-04-25.

Allele frequency attached by ClinVar (database versions not stated): gnomAD 0.00001; gnomAD exomes 0.00002; TOPMed 0.00002.
gnomAD v4.1: 26 of 1,601,304 alleles (0.0016%); highest among the groups gnomAD compares: Middle Eastern, 0.016%; no homozygotes.

Submissions (2):

Ambry Genetics
Classification: Uncertain significance. Last evaluated: 2025-04-25. Review status: criteria provided, single submitter. Criteria: Ambry Variant Classification Scheme 2023. Collection method: clinical testing. Allele origin: germline.

Women's Health and Genetics/Laboratory Corporation of America, LabCorp
Classification: Uncertain significance. Last evaluated: 2023-01-24. Review status: criteria provided, single submitter. Criteria: LabCorp Variant Classification Summary - May 2015. Collection method: clinical testing. Allele origin: germline.
Comment: Variant summary: GDF11 c.379G>A (p.Glu127Lys) results in a conservative amino acid change located in the TGF-beta, propeptide domain (IPR001111) of the encoded protein sequence. Three of five in-silico tools predict a benign effect of the variant on protein function. The variant was absent in 235412 control chromosomes (gnomAD). The available data on variant occurrences in the general population are insufficient to allow any conclusion about variant significance. To our knowledge, no occurrence of c.379G>A in individuals affected with Vertebral Hypersegmentation And Orofacial Anomalies and no experimental evidence demonstrating its impact on protein function have been reported. No clinical diagnostic laboratories have submitted clinical-significance assessments for this variant to ClinVar after 2014. Based on the evidence outlined above, the variant was classified as uncertain significance.